The following is an entry in ClinVar:

ClinVar aggregate classification (germline): Uncertain significance. Review status: criteria provided, multiple submitters, no conflicts (2 of 4 stars). 2 submissions from 2 submitters: Uncertain significance (2). Last evaluated 2025-04-10.

Conditions:
Inborn genetic diseases. Identifiers: MedGen C0950123, MeSH D030342.
Neutropenia, severe congenital, 1, autosomal dominant. Identifiers: MedGen C1859966, MONDO:0042490, OMIM 202700.
Cyclical neutropenia. Also called: Cyclic Neutropenia; Cyclic hematopoiesis. Identifiers: Orphanet 2686, MedGen C0221023, MONDO:0008090, OMIM 162800, HP:0040289. Disease mechanism: loss of function.

Submissions (2):

Ambry Genetics
Classification: Uncertain significance for Inborn genetic diseases. Last evaluated: 2025-04-10. Review status: criteria provided, single submitter. Criteria: Ambry Variant Classification Scheme 2023. Collection method: clinical testing. Allele origin: germline.
Comment: The p.V207F variant (also known as c.619G>T), located in coding exon 5 of the ELANE gene, results from a G to T substitution at nucleotide position 619. The valine at codon 207 is replaced by phenylalanine, an amino acid with highly similar properties. This amino acid position is conserved. In addition, this alteration is predicted to be deleterious by in silico analysis. Based on the available evidence, the clinical significance of this variant remains unclear.

Labcorp Genetics (formerly Invitae), Labcorp
Classification: Uncertain significance for Neutropenia, severe congenital, 1, autosomal dominant; Cyclical neutropenia. Last evaluated: 2024-03-29. Review status: criteria provided, single submitter. Criteria: Invitae Variant Classification Sherloc (09022015). Collection method: clinical testing. Allele origin: germline.
Comment: This sequence change replaces valine, which is neutral and non-polar, with phenylalanine, which is neutral and non-polar, at codon 207 of the ELANE protein (p.Val207Phe). This variant is not present in population databases (gnomAD no frequency). This variant has not been reported in the literature in individuals affected with ELANE-related conditions. ClinVar contains an entry for this variant (Variation ID: 1484002). Advanced modeling of protein sequence and biophysical properties (such as structural, functional, and spatial information, amino acid conservation, physicochemical variation, residue mobility, and thermodynamic stability) performed at Invitae indicates that this missense variant is expected to disrupt ELANE protein function with a positive predictive value of 80%. In summary, the available evidence is currently insufficient to determine the role of this variant in disease. Therefore, it has been classified as a Variant of Uncertain Significance.

NM_001972.4(ELANE):c.619G>T (p.Val207Phe)

Gene: ELANE (elastase, neutrophil expressed; plus strand). Cytogenetic location: 19p13.3.
Variant type: single nucleotide variant.
Coding change: c.619G>T on transcript NM_001972.4 (MANE Select); coding-DNA position 619, G replaced by T.
Protein change: p.Val207Phe; replaces valine 207 with phenylalanine.
Molecular consequence: missense variant.
Genome position (GRCh38, 1-based): chr19:855,979, G>T. VCF-style: chr19-855979-G-T. GRCh37 (hg19) VCF-style: chr19-855979-G-T.
Other names: c.619G>T (NM_001972.2); short protein forms V207F.
Identifiers: ClinVar variation 1484002 (VCV001484002.9), dbSNP rs2035674003, ClinGen allele CA402918924.
Genomic context (GRCh38, chr19:855,979, plus strand): 5'-CCTCGCAGTCCAGCTTCCCCACCTTGTCTGCCTCCACAGGGGGACTCCGGCAGCCCCTTG[G>T]TCTGCAACGGGCTAATCCACGGAATTGCCTCCTTCGTCCGGGGAGGCTGCGCCTCAGGGC-3'
Protein context (NP_001963.1, residues 197-217): VCFGDSGSPL[Val207Phe]CNGLIHGIAS